The following is an entry in ClinVar:

NM_017514.5(PLXNA3):c.5406C>T (p.Ser1802=)

Gene: PLXNA3 (plexin A3; plus strand). Cytogenetic location: Xq28.
Variant type: single nucleotide variant.
Coding change: c.5406C>T on transcript NM_017514.5 (MANE Select); coding-DNA position 5406, C replaced by T.
Protein change: p.Ser1802=; no amino-acid change (serine 1802 retained).
Molecular consequence: synonymous variant.
Genome position (GRCh38, 1-based): chrX:154,471,524, C>T. VCF-style: chrX-154471524-C-T. GRCh37 (hg19) VCF-style: chrX-153699867-C-T.
Identifiers: ClinVar variation 3353852 (VCV003353852.1).

ClinVar aggregate classification (germline): Likely benign (0 of 4 stars; one submission).

Conditions:
PLXNA3-related disorder. Also called: PLXNA3-related condition.

gnomAD v4.1: 6 of 1,207,024 alleles (0.0005%); highest among the groups gnomAD compares: Non-Finnish European, 0.00067%; no homozygotes.

Submission:

PreventionGenetics, part of Exact Sciences
Classification: Likely benign for PLXNA3-related condition. Last evaluated: 2023-07-21. Review status: no assertion criteria provided. Collection method: clinical testing. Allele origin: germline.
Comment: This variant is classified as likely benign based on ACMG/AMP sequence variant interpretation guidelines (Richards et al. 2015 PMID: 25741868, with internal and published modifications).